The following is an entry in ClinVar:

ClinVar aggregate classification (germline): Uncertain significance (1 of 4 stars; one submission).

Conditions:
Autosomal recessive limb-girdle muscular dystrophy type 2C (LGMDR5). Also called: MUSCULAR DYSTROPHY, DUCHENNE-LIKE; MUSCULAR DYSTROPHY, LIMB-GIRDLE, AUTOSOMAL RECESSIVE 5. Identifiers: Orphanet 353, MedGen C0410173, MONDO:0009677, OMIM 253700. Disease mechanism: Affects gamma-sarcoglycan and also disrupts the integrity of the entire sarcoglycan complex..

gnomAD v4.1: 11 of 1,609,474 alleles (0.00068%); highest among the groups gnomAD compares: Middle Eastern, 0.017%; no homozygotes.

Submission:

Labcorp Genetics (formerly Invitae), Labcorp
Classification: Uncertain significance for Autosomal recessive limb-girdle muscular dystrophy type 2C. Last evaluated: 2024-01-19. Review status: criteria provided, single submitter. Criteria: Invitae Variant Classification Sherloc (09022015). Collection method: clinical testing. Allele origin: germline.
Comment: This sequence change replaces alanine, which is neutral and non-polar, with serine, which is neutral and polar, at codon 215 of the SGCG protein (p.Ala215Ser). The frequency data for this variant in the population databases is considered unreliable, as metrics indicate poor data quality at this position in the gnomAD database. This variant has not been reported in the literature in individuals affected with SGCG-related conditions. ClinVar contains an entry for this variant (Variation ID: 2050741). Advanced modeling of protein sequence and biophysical properties (such as structural, functional, and spatial information, amino acid conservation, physicochemical variation, residue mobility, and thermodynamic stability) performed at Invitae indicates that this missense variant is not expected to disrupt SGCG protein function with a negative predictive value of 80%. In summary, the available evidence is currently insufficient to determine the role of this variant in disease. Therefore, it has been classified as a Variant of Uncertain Significance.

NM_000231.3(SGCG):c.643G>T (p.Ala215Ser)

Gene: SGCG (sarcoglycan gamma; plus strand). Cytogenetic location: 13q12.12.
Variant type: single nucleotide variant.
Coding change: c.643G>T on transcript NM_000231.3 (MANE Select); coding-DNA position 643, G replaced by T.
Protein change: p.Ala215Ser; replaces alanine 215 with serine.
Molecular consequence: missense variant.
Genome position (GRCh38, 1-based): chr13:23,320,701, G>T. VCF-style: chr13-23320701-G-T. GRCh37 (hg19) VCF-style: chr13-23894840-G-T.
Other names: c.697G>T, p.Ala233Ser (NM_001378244.1); c.643G>T, p.Ala215Ser (NM_001378245.1, NM_001378246.1); short protein forms A233S, A215S.
Identifiers: ClinVar variation 2050741 (VCV002050741.3), dbSNP rs770020910, ClinGen allele CA6909803.
Genomic context (GRCh38, chr13:23,320,701, plus strand): 5'-GAATCCCCCACTCGGAGTCTAAGCATGGATGCCCCAAGGGGTGTGCATATTCAAGCTCAC[G>T]CTGGGAAAATTGAGGCGCTTTCTCAAATGGATATTCTTTTTCATAGTAGTGATGGAATGG-3'
Protein context (NP_000222.2, residues 205-225): APRGVHIQAH[Ala215Ser]GKIEALSQMD